The following is an entry in ClinVar:

ClinVar aggregate classification (germline): Benign/Likely benign. Review status: criteria provided, multiple submitters, no conflicts (2 of 4 stars). 2 submissions from 2 submitters: Benign (1); Likely benign (1). Last evaluated 2026-04-01.

Allele frequency attached by ClinVar (database versions not stated): gnomAD exomes 0.00014 and 0.00032; ExAC 0.00048; ESP Exome Variant Server 0.00066; 1000 Genomes Project 30x 0.00094; gnomAD 0.00147 and 0.00169; TOPMed 0.00160.
gnomAD v4.1: 432 of 1,591,828 alleles (0.027%); highest among the groups gnomAD compares: African/African-American, 0.54%; no homozygotes.

Submissions (2):

CeGaT Center for Human Genetics Tuebingen
Classification: Likely benign. Last evaluated: 2026-04-01. Review status: criteria provided, single submitter. Criteria: CeGaT Center For Human Genetics Tuebingen Variant Classification Criteria Version 2. Collection method: clinical testing. Allele origin: germline. Affected: yes. Observed: 1 variant allele.
Comment: SOX11: BP4, BP7

Labcorp Genetics (formerly Invitae), Labcorp
Classification: Benign. Last evaluated: 2025-12-01. Review status: criteria provided, single submitter. Criteria: Invitae Variant Classification Sherloc (09022015). Collection method: clinical testing. Allele origin: germline.

NM_003108.4(SOX11):c.645G>A (p.Lys215=)

Gene: SOX11 (SRY-box transcription factor 11; plus strand). Cytogenetic location: 2p25.2.
Variant type: single nucleotide variant.
Coding change: c.645G>A on transcript NM_003108.4 (MANE Select); coding-DNA position 645, G replaced by A.
Protein change: p.Lys215=; no amino-acid change (lysine 215 retained).
Molecular consequence: synonymous variant.
Genome position (GRCh38, 1-based): chr2:5,693,366, G>A. VCF-style: chr2-5693366-G-A. GRCh37 (hg19) VCF-style: chr2-5833498-G-A.
Identifiers: ClinVar variation 784982 (VCV000784982.11), dbSNP rs377652465, ClinGen allele CA1517881.